The following is an entry in ClinVar:

ClinVar aggregate classification (germline): Benign (0 of 4 stars; one submission).

Conditions:
FBXO2-related disorder. Also called: FBXO2-related condition.

Allele frequency attached by ClinVar (database versions not stated): ESP Exome Variant Server 0.18339; gnomAD 0.19907; TOPMed 0.20420; gnomAD exomes 0.20473; 1000 Genomes Project 30x 0.23798; 1000 Genomes Project 0.24361; ExAC 0.26117.
gnomAD v4.1: 328,058 of 1,606,316 alleles (20%); highest among the groups gnomAD compares: East Asian, 46%; 35,327 homozygotes.

Submission:

PreventionGenetics, part of Exact Sciences
Classification: Benign for FBXO2-related condition. Last evaluated: 2019-10-21. Review status: no assertion criteria provided. Collection method: clinical testing. Allele origin: germline.
Comment: This variant is classified as benign based on ACMG/AMP sequence variant interpretation guidelines (Richards et al. 2015 PMID: 25741868, with internal and published modifications).

NM_012168.6(FBXO2):c.353A>C (p.Lys118Thr)

Gene: FBXO2 (F-box protein 2; minus strand). Cytogenetic location: 1p36.22.
Variant type: single nucleotide variant.
Coding change: c.353A>C on transcript NM_012168.6 (MANE Select); coding-DNA position 353, A replaced by C.
Protein change: p.Lys118Thr; replaces lysine 118 with threonine.
Molecular consequence: missense variant.
Genome position (GRCh38, 1-based): chr1:11,650,504, T>G on the plus strand (A>C on the coding strand, the complement: FBXO2 is on the minus strand). VCF-style: chr1-11650504-T-G. GRCh37 (hg19) VCF-style: chr1-11710561-T-G.
Other names: short protein forms K118T.
Identifiers: ClinVar variation 3060864 (VCV003060864.2), dbSNP rs9614, ClinGen allele CA592906.